The following is an entry in ClinVar:

ClinVar aggregate classification (germline): Likely benign (1 of 4 stars; one submission).

Submission:

GeneDx
Classification: Likely benign. Last evaluated: 2017-10-20. Review status: criteria provided, single submitter. Criteria: GeneDx Variant Classification (06012015). Collection method: clinical testing. Allele origin: germline. Affected: yes.
Comment: This variant is considered likely benign or benign based on one or more of the following criteria: it is a conservative change, it occurs at a poorly conserved position in the protein, it is predicted to be benign by multiple in silico algorithms, and/or has population frequency not consistent with disease.

NM_080680.3(COL11A2):c.3366+21del

Gene: COL11A2 (collagen type XI alpha 2 chain; minus strand). Cytogenetic location: 6p21.32.
Variant type: Deletion.
Coding change: c.3366+21del on transcript NM_080680.3 (MANE Select); 21 bases into the intron after coding-DNA position 3366, one base deleted (C; older notation c.3366+21delC).
Molecular consequence: intron variant.
Genome position (GRCh38, 1-based): chr6:33,171,093, G deleted on the plus strand (C on the coding strand, the reverse complement: COL11A2 is on the minus strand); the first of 5 consecutive G bases (chr6:33,171,093-33,171,097); deleting any one gives the same sequence. VCF-style (leftmost placement, unchanged base first): chr6-33171092-TG-T. GRCh37 (hg19) VCF-style: chr6-33138869-TG-T.
Other names: c.3045+21del (NM_080679.3); c.3108+21del (NM_080681.3); c.3366+21delC (NM_080680.2).
Identifiers: ClinVar variation 512821 (VCV000512821.1), dbSNP rs764291451, ClinGen allele CA3750535.